The following is an entry in ClinVar:

ClinVar aggregate classification (germline): Uncertain significance. Review status: criteria provided, multiple submitters, no conflicts (2 of 4 stars). 5 submissions from 5 submitters: Uncertain significance (5). Last evaluated 2024-08-26.

Conditions:
Cardiovascular phenotype. Identifiers: MedGen CN230736.
Autosomal recessive limb-girdle muscular dystrophy type 2J (LGMDR10). Also called: Limb-girdle muscular dystrophy, type 2J; MUSCULAR DYSTROPHY, LIMB-GIRDLE, AUTOSOMAL RECESSIVE 10. Identifiers: Orphanet 140922, MedGen C1837342, MONDO:0012127, OMIM 608807.
Dilated cardiomyopathy 1G (CMD1G). Identifiers: Orphanet 154, MedGen C1858763, MONDO:0011400, OMIM 604145.
Myopathy, myofibrillar, 9, with early respiratory failure (MFM9). Also called: EDSTROM MYOPATHY; MYOPATHY, PROXIMAL, WITH EARLY RESPIRATORY MUSCLE INVOLVEMENT; Hereditary myopathy with early respiratory failure; Myopathy, distal, with early respiratory failure, autosomal dominant. Identifiers: Orphanet 178464, Orphanet 34521, MedGen C1863599, MONDO:0011362, OMIM 603689.
Hypertrophic cardiomyopathy 9. Also called: Familial hypertrophic cardiomyopathy 9. Identifiers: MedGen C1861065, MONDO:0013412, OMIM 613765.
Early-onset myopathy with fatal cardiomyopathy (CMYO5). Also called: Salih Myopathy; CONGENITAL MYOPATHY 5 WITH CARDIOMYOPATHY. Identifiers: Orphanet 289377, MedGen C2673677, MONDO:0012714, OMIM 611705. Disease mechanism: loss of function.
Tibial muscular dystrophy (TMD). Also called: UDD MYOPATHY; Tibial muscular dystrophy, tardive; Udd Distal Myopathy – Tibial Muscular Dystrophy. Identifiers: Orphanet 609, MedGen C1838244, MONDO:0010870, OMIM 600334.

Allele frequency attached by ClinVar (database versions not stated): ExAC 0.00002; gnomAD 0.00002; gnomAD exomes 0.00002 and 0.00007; TOPMed 0.00003; ESP Exome Variant Server 0.00008.
gnomAD v4.1: 101 of 1,613,066 alleles (0.0063%); highest among the groups gnomAD compares: Non-Finnish European, 0.0081%; no homozygotes.

Submissions (5):

GeneDx
Classification: Uncertain significance. Last evaluated: 2024-08-26. Review status: criteria provided, single submitter. Criteria: GeneDx Variant Classification Process June 2021. Collection method: clinical testing. Allele origin: germline. Affected: yes.
Comment: Not observed at significant frequency in large population cohorts (gnomAD); Missense variant in a gene in which most reported pathogenic variants are truncating/loss of function; Has not been previously published as pathogenic or benign to our knowledge

Department of Pathology and Laboratory Medicine, Sinai Health System
Classification: Uncertain significance for Tibial muscular dystrophy; Myopathy, myofibrillar, 9, with early respiratory failure; Dilated cardiomyopathy 1G; Autosomal recessive limb-girdle muscular dystrophy type 2J; Early-onset myopathy with fatal cardiomyopathy; Hypertrophic cardiomyopathy 9. Last evaluated: 2021-07-30. Review status: criteria provided, single submitter. Criteria: ACMG Guidelines, 2015. Collection method: research. Allele origin: germline.

Revvity Omics, Revvity
Classification: Uncertain significance. Last evaluated: 2020-02-10. Review status: criteria provided, single submitter. Criteria: ACMG Guidelines, 2015. Collection method: clinical testing. Allele origin: germline.

Ambry Genetics
Classification: Uncertain significance for Cardiovascular phenotype. Last evaluated: 2019-12-20. Review status: criteria provided, single submitter. Criteria: Ambry Variant Classification Scheme 2023. Collection method: clinical testing. Allele origin: germline.
Comment: The p.T5093I variant (also known as c.15278C>T), located in coding exon 58 of the TTN gene, results from a C to T substitution at nucleotide position 15278. The threonine at codon 5093 is replaced by isoleucine, an amino acid with similar properties. This amino acid position is highly conserved in available vertebrate species. In addition, this alteration is predicted to be tolerated by in silico analysis. Since supporting evidence is limited at this time, the clinical significance of this alteration remains unclear.

Athena Diagnostics
Classification: Uncertain significance. Last evaluated: 2017-07-05. Review status: criteria provided, single submitter. Criteria: Athena Diagnostics Criteria. Collection method: clinical testing. Allele origin: germline.

NM_001267550.2(TTN):c.42473C>T (p.Thr14158Ile)

Gene: TTN (titin; minus strand). Cytogenetic location: 2q31.2.
Variant type: single nucleotide variant.
Coding change: c.42473C>T on transcript NM_001267550.2 (MANE Select); coding-DNA position 42473, C replaced by T.
Protein change: p.Thr14158Ile; replaces threonine 14158 with isoleucine.
Molecular consequence: missense variant.
Genome position (GRCh38, 1-based): chr2:178,634,026, G>A on the plus strand (C>T on the coding strand, the complement: TTN is on the minus strand). VCF-style: chr2-178634026-G-A. GRCh37 (hg19) VCF-style: chr2-179498753-G-A.
Other names: c.42473C>T (LRG_391t1); c.37550C>T, p.Thr12517Ile (NM_001256850.1); c.15278C>T, p.Thr5093Ile (NM_003319.4); c.34769C>T, p.Thr11590Ile (NM_133378.4); c.15653C>T, p.Thr5218Ile (NM_133432.3); c.15854C>T, p.Thr5285Ile (NM_133437.4); short protein forms T14158I, T12517I, T11590I, T5093I, T5218I, T5285I.
Identifiers: ClinVar variation 448794 (VCV000448794.8), dbSNP rs373227762, ClinGen allele CA1996066.
Genomic context (GRCh38, chr2:178,634,026, plus strand): 5'-TCATTTTTGAACCAGACTACATGCATTTTTTCATGAGAAAGTTCACAAACAAAAGTTGCT[G>A]TTTCACCTTCTTTTACTGTTTGATCTTCAAGAGGTGACATGAATTTCAGTCTTATACCTG-3'
Protein context (NP_001254479.2, residues 14148-14168): LEDQTVKEGE[Thr14158Ile]ATFVCELSHE